The following is an entry in ClinVar:

ClinVar aggregate classification (germline): Uncertain significance (1 of 4 stars; one submission).

Allele frequency attached by ClinVar (database versions not stated): gnomAD exomes below 0.00001.
gnomAD v4.1: 1 of 1,585,678 alleles (0.000063%); highest among the groups gnomAD compares: Non-Finnish European, 0.000087%; no homozygotes.

Submission:

Labcorp Genetics (formerly Invitae), Labcorp
Classification: Uncertain significance. Last evaluated: 2021-06-10. Review status: criteria provided, single submitter. Criteria: Invitae Variant Classification Sherloc (09022015). Collection method: clinical testing. Allele origin: germline.
Comment: This sequence change creates a premature translational stop signal (p.Gln486*) in the GALNT12 gene. It is expected to result in an absent or disrupted protein product. However, the current clinical and genetic evidence is not sufficient to establish whether loss-of-function variants in GALNT12 cause disease. This variant is not present in population databases (ExAC no frequency). This variant has not been reported in the literature in individuals with GALNT12-related conditions. In summary, the available evidence is currently insufficient to determine the role of this variant in disease. Therefore, it has been classified as a Variant of Uncertain Significance.

NM_024642.5(GALNT12):c.1456C>T (p.Gln486Ter)

Gene: GALNT12 (polypeptide N-acetylgalactosaminyltransferase 12; plus strand). Cytogenetic location: 9q22.33.
Variant type: single nucleotide variant.
Coding change: c.1456C>T on transcript NM_024642.5 (MANE Select); coding-DNA position 1456, C replaced by T.
Protein change: p.Gln486Ter; replaces glutamine 486 with a stop codon.
Molecular consequence: nonsense.
Genome position (GRCh38, 1-based): chr9:98,844,207, C>T. VCF-style: chr9-98844207-C-T. GRCh37 (hg19) VCF-style: chr9-101606489-C-T.
Other names: short protein forms Q486*.
Identifiers: ClinVar variation 1358937 (VCV001358937.3), dbSNP rs2118494579, ClinGen allele CA374221563.
Genomic context (GRCh38, chr9:98,844,207, plus strand): 5'-GAAAACCAGATTGTGGGACACCAGGTCATTCTGTACCTCTGTCATGGGATGGGCCAGAAT[C>T]AGGTAGGTATGAGCCTCAAAAGAGGAGAAAGCTGTGTGTTTTGTTAAAAAAATTAAATAG-3'